The following is an entry in ClinVar:

ClinVar aggregate classification (germline): Conflicting classifications of pathogenicity. Review status: criteria provided, conflicting classifications (1 of 4 stars). 8 submissions from 8 submitters: Uncertain significance (6); Benign (2). Last evaluated 2026-01-17.

Conditions:
Juvenile polyposis syndrome (JPS). Identifiers: Orphanet 2929, MedGen C0345893, MONDO:0017380, OMIM 174900.
Hereditary cancer-predisposing syndrome. Also called: Neoplastic Syndromes, Hereditary; Hereditary Cancer Syndrome; Tumor predisposition; Hereditary neoplastic syndrome. Identifiers: Orphanet 140162, MedGen C0027672, MeSH D009386, MONDO:0015356.
Polyposis syndrome, hereditary mixed, 2. Identifiers: Orphanet 157794, MedGen C1864730, MONDO:0012405, OMIM 610069.

Allele frequency attached by ClinVar (database versions not stated): gnomAD 0.00002; gnomAD exomes 0.00001 and 0.00002; TOPMed 0.00003; ExAC 0.00002.
gnomAD v4.1: 10 of 1,614,134 alleles (0.00062%); highest among the groups gnomAD compares: Middle Eastern, 0.016%; no homozygotes.

Submissions (8):

Labcorp Genetics (formerly Invitae), Labcorp
Classification: Uncertain significance for Juvenile polyposis syndrome. Last evaluated: 2026-01-17. Review status: criteria provided, single submitter. Criteria: Invitae Variant Classification Sherloc (09022015). Collection method: clinical testing. Allele origin: germline.
Comment: This sequence change replaces isoleucine, which is neutral and non-polar, with valine, which is neutral and non-polar, at codon 445 of the BMPR1A protein (p.Ile445Val). This variant is present in population databases (rs587781503, gnomAD 0.01%). This missense change has been observed in individual(s) with colorectal cancer (PMID: 28135145). ClinVar contains an entry for this variant (Variation ID: 141113). Invitae Evidence Modeling incorporating data from in vitro experimental studies (internal data) indicates that this missense variant is not expected to disrupt BMPR1A function with a negative predictive value of 95%. In summary, the available evidence is currently insufficient to determine the role of this variant in disease. Therefore, it has been classified as a Variant of Uncertain Significance.

GeneDx
Classification: Uncertain significance. Last evaluated: 2025-04-18. Review status: criteria provided, single submitter. Criteria: GeneDx Variant Classification Process June 2021. Collection method: clinical testing. Allele origin: germline. Affected: yes.
Comment: In silico analysis indicates that this missense variant does not alter protein structure/function; Observed in individuals with colorectal or breast cancer (PMID: 28135145, 35534704); This variant is associated with the following publications: (PMID: 35534704, 28135145)

Color Diagnostics, LLC DBA Color Health
Classification: Benign for Hereditary cancer-predisposing syndrome. Last evaluated: 2025-03-10. Review status: criteria provided, single submitter. Criteria: ACMG Guidelines, 2015. Collection method: clinical testing. Allele origin: germline.

Dasa
Classification: Uncertain significance. Last evaluated: 2025-01-22. Review status: criteria provided, single submitter. Criteria: DASA Assertion Criteria. Collection method: clinical testing. Allele origin: germline.
Comment: NM_004329.3(BMPR1A):c.1333A>G (p.Ile445Val) is a missense variant that results in the substitution of isoleucine with valine. This variant is rare in population databases. Computational prediction algorithms are consistent with a benign effect. The currently available literature and clinical evidence are not sufficient to establish a definitive association between this variant and the reported condition. Therefore, this variant is classified as a variant of uncertain significance.

All of Us Research Program, National Institutes of Health
Classification: Uncertain significance for Juvenile polyposis syndrome. Last evaluated: 2023-08-15. Review status: criteria provided, single submitter. Criteria: ACMG Guidelines, 2015. Collection method: clinical testing. Allele origin: germline. Inheritance: Autosomal dominant inheritance. Observed: 1 variant allele, 1 heterozygote.
Comment: This missense variant replaces isoleucine with valine at codon 445 of the BMPR1A protein. Computational prediction suggests that this variant may not impact protein structure and function (internally defined REVEL score threshold <= 0.5, PMID: 27666373). Splice site prediction tools suggest that this variant may not impact RNA splicing. To our knowledge, functional studies have not been reported for this variant. This variant has been observed in an individual affected with colorectal cancer (PMID: 28135145). This variant has been identified in 6/251494 chromosomes in the general population by the Genome Aggregation Database (gnomAD). The available evidence is insufficient to determine the role of this variant in disease conclusively. Therefore, this variant is classified as a Variant of Uncertain Significance.

This study involves interpretation of variants in research participants for the purpose of population health screening. Participant phenotype was not available at the time of variant classification. Additional details can be found in publication PMID: 35346344, PMCID: PMC8962531

Baylor Genetics
Classification: Uncertain significance for Polyposis syndrome, hereditary mixed, 2. Last evaluated: 2023-07-12. Review status: criteria provided, single submitter. Criteria: ACMG Guidelines, 2015. Collection method: clinical testing. Allele origin: unknown.

Ambry Genetics
Classification: Benign for Hereditary cancer-predisposing syndrome. Last evaluated: 2021-07-14. Review status: criteria provided, single submitter. Criteria: Ambry Variant Classification Scheme 2023. Collection method: clinical testing. Allele origin: germline.

Women's Health and Genetics/Laboratory Corporation of America, LabCorp
Classification: Uncertain significance. Last evaluated: 2018-07-02. Review status: criteria provided, single submitter. Criteria: LabCorp Variant Classification Summary - May 2015. Collection method: clinical testing. Allele origin: germline.
Comment: Variant summary: BMPR1A c.1333A>G (p.Ile445Val) results in a conservative amino acid change located in the Serine-threonine/tyrosine-protein kinase, catalytic domain of the encoded protein sequence. Three of four in-silico tools predict a benign effect of the variant on protein function (MutationTaster not captured here due to low p-value). The variant allele was found at a frequency of 2.4e-05 in 246270 control chromosomes (gnomAD). The available data on variant occurrences in the general population are insufficient to allow any conclusion about variant significance. The variant, c.1333A>G, has been reported in the literature in an individual affected with colorectal cancer (Yurgelun_2017). This report does not provide an unequivocal conclusion about association of the variant with Juvenile Polyposis Syndrome. To our knowledge, no experimental evidence demonstrating an impact on protein function has been reported. Three ClinVar submission from clinical diagnostic laboratories (evaluation after 2014) cite the variant as "uncertain significance." Based on the evidence outlined above, the variant was classified as uncertain significance.

Literature cited by the submitters: PubMed 28135145 (cited by 4 submitters).

NM_004329.3(BMPR1A):c.1333A>G (p.Ile445Val)

Gene: BMPR1A (bone morphogenetic protein receptor type 1A; plus strand). Cytogenetic location: 10q23.2.
Variant type: single nucleotide variant.
Coding change: c.1333A>G on transcript NM_004329.3 (MANE Select); coding-DNA position 1333, A replaced by G.
Protein change: p.Ile445Val; replaces isoleucine 445 with valine.
Molecular consequence: missense variant.
Genome position (GRCh38, 1-based): chr10:86,921,686, A>G. VCF-style: chr10-86921686-A-G. GRCh37 (hg19) VCF-style: chr10-88681443-A-G.
Other names: short protein forms I445V.
Identifiers: ClinVar variation 141113 (VCV000141113.30), dbSNP rs587781503, ClinGen allele CA164497.